The following is an entry in ClinVar:

ClinVar aggregate classification (germline): Uncertain significance. Review status: criteria provided, multiple submitters, no conflicts (2 of 4 stars). 3 submissions from 3 submitters: Uncertain significance (3). Last evaluated 2024-06-18.

Conditions:
Inborn genetic diseases. Identifiers: MedGen C0950123, MeSH D030342.
Senior-Loken syndrome 7 (SLSN7). Identifiers: Orphanet 3156, MedGen C3150877, MONDO:0013326, OMIM 613615.
Bardet-Biedl syndrome 16 (BBS16). Identifiers: Orphanet 110, MedGen C3889474, MONDO:0014444, OMIM 615993.

Allele frequency attached by ClinVar (database versions not stated): gnomAD 0.00001; TOPMed 0.00001; gnomAD exomes 0.00002; ExAC 0.00003.
gnomAD v4.1: 9 of 1,613,958 alleles (0.00056%); highest among the groups gnomAD compares: East Asian, 0.02%; no homozygotes.

Submissions (3):

Fulgent Genetics
Classification: Uncertain significance for Senior-Loken syndrome 7; Bardet-Biedl syndrome 16. Last evaluated: 2024-06-18. Review status: criteria provided, single submitter. Criteria: ACMG Guidelines, 2015. Collection method: clinical testing. Allele origin: germline.

Ambry Genetics
Classification: Uncertain significance for Inborn genetic diseases. Last evaluated: 2024-02-05. Review status: criteria provided, single submitter. Criteria: Ambry Variant Classification Scheme 2023. Collection method: clinical testing. Allele origin: germline.

Labcorp Genetics (formerly Invitae), Labcorp
Classification: Uncertain significance for Bardet-Biedl syndrome 16; Senior-Loken syndrome 7. Last evaluated: 2020-06-18. Review status: criteria provided, single submitter. Criteria: Invitae Variant Classification Sherloc (09022015). Collection method: clinical testing. Allele origin: germline.
Comment: In summary, the available evidence is currently insufficient to determine the role of this variant in disease. Therefore, it has been classified as a Variant of Uncertain Significance. Algorithms developed to predict the effect of missense changes on protein structure and function are either unavailable or do not agree on the potential impact of this missense change (SIFT: "Deleterious"; PolyPhen-2: "Possibly Damaging"; Align-GVGD: "Class C0"). This variant has not been reported in the literature in individuals with SDCCAG8-related conditions. The frequency data for this variant in the population databases is considered unreliable, as metrics indicate poor data quality at this position in the ExAC database. This sequence change replaces glutamic acid with lysine at codon 367 of the SDCCAG8 protein (p.Glu367Lys). The glutamic acid residue is highly conserved and there is a small physicochemical difference between glutamic acid and lysine.

NM_006642.5(SDCCAG8):c.1099G>A (p.Glu367Lys)

Gene: SDCCAG8 (SHH signaling and ciliogenesis regulator SDCCAG8; plus strand). Cytogenetic location: 1q43.
Variant type: single nucleotide variant.
Coding change: c.1099G>A on transcript NM_006642.5 (MANE Select); coding-DNA position 1099, G replaced by A.
Protein change: p.Glu367Lys; replaces glutamic acid 367 with lysine.
Molecular consequence: missense variant.
Genome position (GRCh38, 1-based): chr1:243,330,570, G>A. VCF-style: chr1-243330570-G-A. GRCh37 (hg19) VCF-style: chr1-243493872-G-A.
Other names: c.196G>A, p.Glu66Lys (NM_001350246.2, NM_001350247.2, NM_001350251.2); c.1195G>A, p.Glu399Lys (NM_001350248.2); c.805G>A, p.Glu269Lys (NM_001350249.2); c.1099G>A (NM_006642.3); short protein forms E269K, E367K, E399K, E66K.
Identifiers: ClinVar variation 1023049 (VCV001023049.10), dbSNP rs780671703, ClinGen allele CA1483555.